The following is an entry in ClinVar:

ClinVar aggregate classification (germline): Pathogenic (1 of 4 stars; one submission).

Conditions:
Hereditary nonpolyposis colorectal neoplasms. Identifiers: MedGen C0009405, MeSH D003123.

Submission:

Labcorp Genetics (formerly Invitae), Labcorp
Classification: Pathogenic for Hereditary nonpolyposis colorectal neoplasms. Last evaluated: 2022-09-27. Review status: criteria provided, single submitter. Criteria: Invitae Variant Classification Sherloc (09022015). Collection method: clinical testing. Allele origin: germline.
Comment: This variant is a gross deletion of the genomic region encompassing exon(s) 14-15 of the PMS2 gene, which includes the termination codon. This deletion extends beyond the assayed region for this gene and therefore may encompass additional genes. While this deletion is not anticipated to lead to nonsense mediated decay, it is expected to alter mRNA translation or result in a truncated protein product. The frequency data for this variant in the population databases (gnomAD) is considered unreliable due to the presence of homologous sequence, such as pseudogenes or paralogs, in the genome. A similar copy number variant has been observed in individual(s) with constitutional mismatch repair deficiency in the homozygous state and/or endometrial cancer in the heterozygous state (PMID: 21618646, 24440087, 26318770). This variant disrupts the MLH1 interaction domain of the PMS2 protein, which has been shown to be critical for PMS2-MLH1 dimerization (PMID: 10037723), and therefore mismatch repair activity (PMID: 16338176, 20533529). While functional studies have not been performed to directly test the effect of this variant on PMS2 protein function, this suggests that disruption of this region of the protein is causative of disease. This variant disrupts a region of the PMS2 protein in which other variant(s) (p.Trp841Glyfs*10) have been determined to be pathogenic (PMID: 10037723, 16338176, 20533529, 26116798, 28218421, 30764633; Invitae). This suggests that this is a clinically significant region of the protein, and that variants that disrupt it are likely to be disease-causing. For these reasons, this variant has been classified as Pathogenic.

Literature cited by the submitters: PubMed 21618646; PubMed 24440087; PubMed 26318770; PubMed 10037723; PubMed 16338176; PubMed 20533529; PubMed 26116798; PubMed 28218421; PubMed 30764633.

NC_000007.13:g.(?_6013030)_(6017408_?)del

Gene: PMS2 (PMS1 homolog 2, mismatch repair system component; minus strand). Cytogenetic location: 7p22.1.
Variant type: Deletion.
Identifiers: ClinVar variation 2423255 (VCV002423255.3).